The following is an entry in ClinVar:

ClinVar aggregate classification (germline): Uncertain significance. Review status: criteria provided, multiple submitters, no conflicts (2 of 4 stars). 2 submissions from 2 submitters: Uncertain significance (2). Last evaluated 2025-08-12.

Conditions:
Congenital hyperammonemia, type I. Also called: CPS I DEFICIENCY; Carbamoyl-phosphate synthase I deficiency; Carbamoyl phosphate synthetase I deficiency disease; Carbamoyl phosphate synthetase 1 deficiency; Hyperammonemia due to carbamoyl phosphate synthetase 1 deficiency; CPS 1 deficiency. Identifiers: Orphanet 147, MedGen C4082171, MONDO:0009376, OMIM 237300.

Allele frequency attached by ClinVar (database versions not stated): ExAC 0.00001.
gnomAD v4.1: 5 of 1,612,186 alleles (0.00031%); highest among the groups gnomAD compares: African/African-American, 0.0053%; no homozygotes.

Submissions (2):

GeneDx
Classification: Uncertain significance. Last evaluated: 2025-08-12. Review status: criteria provided, single submitter. Criteria: GeneDx Variant Classification Process June 2021. Collection method: clinical testing. Allele origin: germline. Affected: yes.
Comment: Not observed at significant frequency in large population cohorts (gnomAD); In silico analysis suggests that this missense variant does not alter protein structure/function; This variant is associated with the following publications: (PMID: 35982160, 35982159)

Labcorp Genetics (formerly Invitae), Labcorp
Classification: Uncertain significance for Congenital hyperammonemia, type I. Last evaluated: 2022-02-14. Review status: criteria provided, single submitter. Criteria: Invitae Variant Classification Sherloc (09022015). Collection method: clinical testing. Allele origin: germline.
Comment: This sequence change replaces leucine, which is neutral and non-polar, with phenylalanine, which is neutral and non-polar, at codon 839 of the CPS1 protein (p.Leu839Phe). This variant is present in population databases (rs774494894, gnomAD no frequency). This variant has not been reported in the literature in individuals affected with CPS1-related conditions. Algorithms developed to predict the effect of missense changes on protein structure and function are either unavailable or do not agree on the potential impact of this missense change (SIFT: "Deleterious"; PolyPhen-2: "Benign"; Align-GVGD: "Class C0"). In summary, the available evidence is currently insufficient to determine the role of this variant in disease. Therefore, it has been classified as a Variant of Uncertain Significance.

NM_001875.5(CPS1):c.2515C>T (p.Leu839Phe)

Gene: CPS1 (carbamoyl-phosphate synthase 1; plus strand). Cytogenetic location: 2q34.
Variant type: single nucleotide variant.
Coding change: c.2515C>T on transcript NM_001875.5 (MANE Select); coding-DNA position 2515, C replaced by T.
Protein change: p.Leu839Phe; replaces leucine 839 with phenylalanine.
Molecular consequence: missense variant. On other transcripts: non-coding transcript variant (2).
Genome position (GRCh38, 1-based): chr2:210,612,240, C>T. VCF-style: chr2-210612240-C-T. GRCh37 (hg19) VCF-style: chr2-211476964-C-T.
Other names: c.2515C>T, p.Leu839Phe (NM_001122633.3, NM_001369257.1); c.2548C>T, p.Leu850Phe (NM_001369256.1); short protein forms L839F, L850F.
Identifiers: ClinVar variation 2148856 (VCV002148856.2), dbSNP rs774494894, ClinGen allele CA2086656.